The following is an entry in ClinVar:

ClinVar aggregate classification (germline): Pathogenic/Likely pathogenic. Review status: criteria provided, multiple submitters, no conflicts (2 of 4 stars). 3 submissions from 3 submitters: Pathogenic (1); Likely pathogenic (1). 1 of the submissions does not count toward it. Last evaluated 2022-07-25.

Conditions:
Hypertrophic cardiomyopathy. Also called: HYPERTROPHIC MYOCARDIOPATHY. Identifiers: Orphanet 217569, MedGen C0007194, MeSH D002312, MONDO:0005045, HP:0001639.

Submissions (3):

Labcorp Genetics (formerly Invitae), Labcorp
Classification: Pathogenic for Hypertrophic cardiomyopathy. Last evaluated: 2022-07-25. Review status: criteria provided, single submitter. Criteria: Invitae Variant Classification Sherloc (09022015). Collection method: clinical testing. Allele origin: germline.
Comment: For these reasons, this variant has been classified as Pathogenic. ClinVar contains an entry for this variant (Variation ID: 177718). This premature translational stop signal has been observed in individual(s) with hypertrophic cardiomyopathy (PMID: 23549607, 25611685, 27532257). This variant is not present in population databases (gnomAD no frequency). This sequence change creates a premature translational stop signal (p.Trp1112*) in the MYBPC3 gene. It is expected to result in an absent or disrupted protein product. Loss-of-function variants in MYBPC3 are known to be pathogenic (PMID: 19574547).

CeGaT Center for Human Genetics Tuebingen
Classification: Likely pathogenic. Last evaluated: 2017-05-31. Review status: criteria provided, single submitter. Criteria: Praxis fuer Humangenetik Tuebingen - Variant Classification Criteria. Collection method: clinical testing. Allele origin: germline. Affected: yes. Observed: 4 variant alleles.

Laboratory for Molecular Medicine, Mass General Brigham Personalized Medicine
Classification: Pathogenic for Hypertrophic cardiomyopathy. Last evaluated: 2013-03-04. Review status: no assertion criteria provided. Collection method: clinical testing. Allele origin: germline. Inheritance: Autosomal dominant inheritance. Observed: 1 variant allele. Not counted in ClinVar's aggregate classification.
Comment: proposed classification - variant undergoing re-assessment, contact laboratory

Literature cited by the submitters: PubMed 23549607 (cited by Labcorp Genetics (formerly Invitae), Labcorp); PubMed 25611685 (cited by Labcorp Genetics (formerly Invitae), Labcorp); PubMed 27532257 (cited by Labcorp Genetics (formerly Invitae), Labcorp); PubMed 19574547 (cited by Labcorp Genetics (formerly Invitae), Labcorp).

NM_000256.3(MYBPC3):c.3332_3335dup (p.Trp1112Ter)

Gene: MYBPC3 (myosin binding protein C3; minus strand). Cytogenetic location: 11p11.2.
Variant type: Duplication.
Coding change: c.3332_3335dup on transcript NM_000256.3 (MANE Select); coding-DNA positions 3332 to 3335, 4 bases duplicated (AGTG; older notation c.3332_3335dupAGTG).
Protein change: p.Trp1112Ter; replaces tryptophan 1112 with a stop codon.
Molecular consequence: nonsense.
Genome position (GRCh38, 1-based): chr11:47,332,969-47,332,972, CACT duplicated on the plus strand (AGTG on the coding strand, the reverse complement: MYBPC3 is on the minus strand); duplicating any 4 consecutive bases within chr11:47,332,969-47,332,973 gives the same sequence; the c. name uses the placement nearest the transcript's 3' end. VCF-style (leftmost placement, unchanged base first): chr11-47332968-C-CCACT. GRCh37 (hg19) VCF-style: chr11-47354519-C-CCACT.
Other names: p.Trp1112X; c.3332_3335dup, p.Trp1112Ter (LRG_386t1); c.3332_3335dupAGTG (NM_000256.3); short protein forms W1112*.
Identifiers: ClinVar variation 177718 (VCV000177718.10), dbSNP rs730880337, ClinGen allele CA273443.